The following is an entry in ClinVar:

ClinVar aggregate classification (germline): Uncertain significance. Review status: criteria provided, single submitter (1 of 4 stars). 2 submissions from 2 submitters: Uncertain significance (1). 1 of the submissions does not count toward it. Last evaluated 2023-11-12.

Allele frequency attached by ClinVar (database versions not stated): gnomAD exomes below 0.00001; ExAC 0.00001; gnomAD 0.00001.
gnomAD v4.1: 9 of 1,613,878 alleles (0.00056%); highest among the groups gnomAD compares: Non-Finnish European, 0.00068%; no homozygotes.

Submissions (2):

Labcorp Genetics (formerly Invitae), Labcorp
Classification: Uncertain significance. Last evaluated: 2023-11-12. Review status: criteria provided, single submitter. Criteria: Invitae Variant Classification Sherloc (09022015). Collection method: clinical testing. Allele origin: germline.
Comment: This sequence change replaces arginine, which is basic and polar, with tryptophan, which is neutral and slightly polar, at codon 609 of the CACNA1D protein (p.Arg609Trp). This variant is present in population databases (rs760813746, gnomAD 0.002%). This variant has not been reported in the literature in individuals affected with CACNA1D-related conditions. Advanced modeling of protein sequence and biophysical properties (such as structural, functional, and spatial information, amino acid conservation, physicochemical variation, residue mobility, and thermodynamic stability) performed at Invitae indicates that this missense variant is expected to disrupt CACNA1D protein function with a positive predictive value of 80%. In summary, the available evidence is currently insufficient to determine the role of this variant in disease. Therefore, it has been classified as a Variant of Uncertain Significance.

Genetics and Genomic Medicine Centre, NeuroGen Healthcare, NeuroGen Healthcare
Classification: Uncertain significance. Last evaluated: 2021-08-30. Review status: no assertion criteria provided. Collection method: clinical testing. Allele origin: unknown. Affected: yes. Not counted in ClinVar's aggregate classification.

NM_001128840.3(CACNA1D):c.1765C>T (p.Arg589Trp)

Gene: CACNA1D (calcium voltage-gated channel subunit alpha1 D; plus strand). Cytogenetic location: 3p21.1.
Variant type: single nucleotide variant.
Coding change: c.1765C>T on transcript NM_001128840.3 (MANE Select); coding-DNA position 1765, C replaced by T.
Protein change: p.Arg589Trp; replaces arginine 589 with tryptophan.
Molecular consequence: missense variant.
Genome position (GRCh38, 1-based): chr3:53,723,532, C>T. VCF-style: chr3-53723532-C-T. GRCh37 (hg19) VCF-style: chr3-53757559-C-T.
Other names: c.1825C>T, p.Arg609Trp (NM_000720.4); c.1765C>T, p.Arg589Trp (NM_001128839.3); short protein forms R589W, R609W.
Identifiers: ClinVar variation 2664545 (VCV002664545.5), dbSNP rs760813746, ClinGen allele CA2454069.